The following is an entry in ClinVar:

NM_004370.6(COL12A1):c.8415+1G>T

Gene: COL12A1 (collagen type XII alpha 1 chain; minus strand). Cytogenetic location: 6q13.
Variant type: single nucleotide variant.
Coding change: c.8415+1G>T on transcript NM_004370.6 (MANE Select); the canonical splice donor site of the intron after coding-DNA position 8415, G replaced by T.
Molecular consequence: splice donor variant.
Genome position (GRCh38, 1-based): chr6:75,102,596, C>A on the plus strand (G>T on the coding strand, the complement: COL12A1 is on the minus strand). VCF-style: chr6-75102596-C-A. GRCh37 (hg19) VCF-style: chr6-75812312-C-A.
Other names: c.4923+1G>T (NM_001424116.1, NM_080645.3); c.8142+1G>T (NM_001424115.1); c.8394+1G>T (NM_001424114.1); c.8415+1G>T (NM_001424113.1).
Identifiers: ClinVar variation 4077084 (VCV004077084.1).

ClinVar aggregate classification (germline): Likely pathogenic (1 of 4 stars; one submission).

Conditions:
Bethlem myopathy 2 (BTHLM2). Identifiers: Orphanet 536516, Orphanet 610, MedGen C4225313, MONDO:0034022, OMIM 616471.

gnomAD v4.1: 1 of 1,532,560 alleles (0.000065%); highest among the groups gnomAD compares: Admixed American, 0.0022%; no homozygotes.

Submission:

MVZ Medizinische Genetik Mainz
Classification: Likely pathogenic for Bethlem myopathy 2. Last evaluated: 2025-07-31. Review status: criteria provided, single submitter. Criteria: UK Practice Guidelines For Variant Classification V4 01 2020. Collection method: clinical testing. Allele origin: germline. Inheritance: Autosomal dominant inheritance. Affected: yes. Observed: 1 variant allele.
Comment: ACMG Criteria: PVS1_STR,PS1_SUP,PM2_SUP